The following is an entry in ClinVar:

NM_003000.2(SDHB):c.73-?_*159+?dup

Gene: SDHB (succinate dehydrogenase complex iron sulfur subunit B; minus strand).
Variant type: Duplication.
Coding change: c.73-?_*159+?dup on transcript NM_003000.2.
Other names: c.73-?_*159+?dup (LRG_316t1).
Identifiers: ClinVar variation 239444 (VCV000239444.1).

ClinVar aggregate classification (germline): Uncertain significance (1 of 4 stars; one submission).

Conditions:
Gastrointestinal stromal tumor. Also called: Gastrointestinal stromal tumor, somatic; Gastrointestinal stroma tumor. Identifiers: Orphanet 44890, MedGen C0238198, MeSH D046152, MONDO:0011719, OMIM 606764, HP:0100723.
Pheochromocytoma. Also called: MAX-Related Hereditary Paraganglioma-Pheochromocytoma Syndrome. Identifiers: Orphanet 29072, MedGen C0031511, MONDO:0008233, OMIM 171300, HP:0002666.
Pheochromocytoma/paraganglioma syndrome 4. Also called: PARAGANGLIOMA, FAMILIAL MALIGNANT; PARAGANGLIOMAS, HEREDITARY EXTRAADRENAL; PHEOCHROMOCYTOMA, FAMILIAL EXTRAADRENAL; Paragangliomas 4; SDHB-Related Hereditary Paraganglioma-Pheochromocytoma Syndrome (Paragangliomas 4); SDHB-Related Hereditary Paraganglioma-Pheochromocytoma Syndrome. Identifiers: Orphanet 29072, MedGen C1861848, MONDO:0007273, OMIM 115310.

Submission:

Labcorp Genetics (formerly Invitae), Labcorp
Classification: Uncertain significance for Gastrointestinal stromal tumor; Pheochromocytoma/paraganglioma syndrome 4; Pheochromocytoma. Last evaluated: 2016-01-17. Review status: criteria provided, single submitter. Criteria: Invitae Variant Classification Sherloc (09022015). Collection method: clinical testing. Allele origin: germline.
Comment: A gross duplication of the genomic region encompassing the full coding sequence of the SDHB gene has been identified. The boundaries of this event are unknown as the duplication extends beyond the assayed region for this gene and therefore may encompass additional genes. While the exact position of the duplicated exons cannot be determined from this data, the most likely explanation is that it occurs in tandem. Whole gene duplications of SDHB have not been published in the literature. In summary, the impact of this duplication on SDHB protein function can not be unequivocally established. Therefore, it has been classified as a Variant of Uncertain Significance.